The following is an entry in ClinVar:

NM_015080.4(NRXN2):c.1359+9G>A

Gene: NRXN2 (neurexin 2; minus strand). Cytogenetic location: 11q13.1.
Variant type: single nucleotide variant.
Coding change: c.1359+9G>A on transcript NM_015080.4 (MANE Select); 9 bases into the intron after coding-DNA position 1359, G replaced by A.
Molecular consequence: intron variant.
Genome position (GRCh38, 1-based): chr11:64,668,434, C>T on the plus strand (G>A on the coding strand, the complement: NRXN2 is on the minus strand). VCF-style: chr11-64668434-C-T. GRCh37 (hg19) VCF-style: chr11-64435906-C-T.
Other names: c.1266+9G>A (NM_138732.3); c.1335+9G>A (NM_001376266.1); c.1314+9G>A (NM_001376265.1); c.1338+9G>A (NM_001376267.1, NM_001376263.1); c.1359+9G>A (NM_001376262.1, NM_015080.3).
Identifiers: ClinVar variation 1276075 (VCV001276075.4), dbSNP rs2285340, ClinGen allele CA6078469.
Genomic context (GRCh38, chr11:64,668,434, plus strand): 5'-TAAGTCACGCTGAAGACAGGAGACAAAGGGCTCCTGAACAGCCTGCAGCCCCTCCCTAGC[C>T]CTACTCACGTCCTTGAGGCAGCCCATGAAGTTGTTGCTGACGGGCGAGCCCGGCAGGTCA-3'

ClinVar aggregate classification (germline): Benign. Review status: criteria provided, multiple submitters, no conflicts (2 of 4 stars). 3 submissions from 3 submitters: Benign (2). 1 of the submissions does not count toward it. Last evaluated 2021-05-17.

Conditions:
NRXN2-related disorder. Also called: NRXN2-related condition.

Allele frequency attached by ClinVar (database versions not stated): ESP Exome Variant Server 0.00262; 1000 Genomes Project 30x 0.05918; 1000 Genomes Project 0.06210.
gnomAD v4.1: 19,772 of 1,613,418 alleles (1.2%); highest among the groups gnomAD compares: East Asian, 20%; 1,334 homozygotes.

Submissions (3):

GeneDx
Classification: Benign. Last evaluated: 2021-05-17. Review status: criteria provided, single submitter. Criteria: GeneDx Variant Classification Process June 2021. Collection method: clinical testing. Allele origin: germline. Affected: yes.

Breakthrough Genomics
Classification: Benign. Review status: criteria provided, single submitter. Criteria: ACMG Guidelines, 2015. Collection method: not provided. Allele origin: germline. Inheritance: Unknown mechanism. Affected: yes.

PreventionGenetics, part of Exact Sciences
Classification: Benign for NRXN2-related condition. Last evaluated: 2019-11-05. Review status: no assertion criteria provided. Collection method: clinical testing. Allele origin: germline. Not counted in ClinVar's aggregate classification.
Comment: This variant is classified as benign based on ACMG/AMP sequence variant interpretation guidelines (Richards et al. 2015 PMID: 25741868, with internal and published modifications).